The following is an entry in ClinVar:

NM_024548.4(CEP97):c.694G>A (p.Val232Ile)

Gene: CEP97 (centrosomal protein 97; plus strand). Cytogenetic location: 3q12.3.
Variant type: single nucleotide variant.
Coding change: c.694G>A on transcript NM_024548.4 (MANE Select); coding-DNA position 694, G replaced by A.
Protein change: p.Val232Ile; replaces valine 232 with isoleucine.
Molecular consequence: missense variant.
Genome position (GRCh38, 1-based): chr3:101,732,620, G>A. VCF-style: chr3-101732620-G-A. GRCh37 (hg19) VCF-style: chr3-101451464-G-A.
Other names: c.694G>A, p.Val232Ile (NM_001303401.2); c.592G>A, p.Val198Ile (NM_001410784.1, NM_001410785.1); short protein forms V232I, V198I.
Identifiers: ClinVar variation 3640779 (VCV003640779.2).

ClinVar aggregate classification (germline): Uncertain significance (1 of 4 stars; one submission).

Submission:

Labcorp Genetics (formerly Invitae), Labcorp
Classification: Uncertain significance. Last evaluated: 2025-07-14. Review status: criteria provided, single submitter. Criteria: Invitae Variant Classification Sherloc (09022015). Collection method: clinical testing. Allele origin: germline.
Comment: This sequence change replaces valine, which is neutral and non-polar, with isoleucine, which is neutral and non-polar, at codon 232 of the CEP97 protein (p.Val232Ile). This variant is not present in population databases (gnomAD no frequency). This variant has not been reported in the literature in individuals affected with CEP97-related conditions. ClinVar contains an entry for this variant (Variation ID: 3640779). Invitae Evidence Modeling of protein sequence and biophysical properties (such as structural, functional, and spatial information, amino acid conservation, physicochemical variation, residue mobility, and thermodynamic stability) indicates that this missense variant is not expected to disrupt CEP97 protein function with a negative predictive value of 80%. In summary, the available evidence is currently insufficient to determine the role of this variant in disease. Therefore, it has been classified as a Variant of Uncertain Significance.